The following is an entry in ClinVar:

ClinVar aggregate classification (germline): Uncertain significance (1 of 4 stars; one submission).

Submission:

Labcorp Genetics (formerly Invitae), Labcorp
Classification: Uncertain significance. Last evaluated: 2024-11-18. Review status: criteria provided, single submitter. Criteria: Invitae Variant Classification Sherloc (09022015). Collection method: clinical testing. Allele origin: germline.
Comment: This sequence change replaces arginine, which is basic and polar, with serine, which is neutral and polar, at codon 223 of the NEDD4L protein (p.Arg223Ser). This variant is not present in population databases (gnomAD no frequency). This variant has not been reported in the literature in individuals affected with NEDD4L-related conditions. ClinVar contains an entry for this variant (Variation ID: 1721288). Invitae Evidence Modeling of protein sequence and biophysical properties (such as structural, functional, and spatial information, amino acid conservation, physicochemical variation, residue mobility, and thermodynamic stability) indicates that this missense variant is not expected to disrupt NEDD4L protein function with a negative predictive value of 80%. In summary, the available evidence is currently insufficient to determine the role of this variant in disease. Therefore, it has been classified as a Variant of Uncertain Significance.

NM_001144967.3(NEDD4L):c.669A>T (p.Arg223Ser)

Gene: NEDD4L (NEDD4 like E3 ubiquitin protein ligase; plus strand). Cytogenetic location: 18q21.31.
Variant type: single nucleotide variant.
Coding change: c.669A>T on transcript NM_001144967.3 (MANE Select); coding-DNA position 669, A replaced by T.
Protein change: p.Arg223Ser; replaces arginine 223 with serine.
Molecular consequence: missense variant.
Genome position (GRCh38, 1-based): chr18:58,325,151, A>T. VCF-style: chr18-58325151-A-T. GRCh37 (hg19) VCF-style: chr18-55992383-A-T.
Other names: c.306A>T, p.Arg102Ser (NM_001144964.1, NM_001144965.2, NM_001144966.3 and 2 more transcripts); c.645A>T, p.Arg215Ser (NM_001144968.2, NM_001144969.2); c.669A>T, p.Arg223Ser (NM_001243960.2, NM_015277.6); short protein forms R102S, R215S, R223S.
Identifiers: ClinVar variation 1721288 (VCV001721288.5), dbSNP rs1601261977, ClinGen allele CA402552983.
Genomic context (GRCh38, chr18:58,325,151, plus strand): 5'-GGACAATTTAGGCCGAACTTACTATGTCAACCACAACAACCGGACCACTCAGTGGCACAG[A>T]CCAAGCCTGATGTGAGTACCGTGTGATGGTCAGGAACACGTGCACGTGCACTGCACAGCT-3'
Protein context (NP_001138439.1, residues 213-233): NHNNRTTQWH[Arg223Ser]PSLMDVSSES